The following is an entry in ClinVar:

NM_000312.4(PROC):c.472C>T (p.Arg158Trp)

Gene: PROC (protein C, inactivator of coagulation factors Va and VIIIa; plus strand). Cytogenetic location: 2q14.3.
Variant type: single nucleotide variant.
Coding change: c.472C>T on transcript NM_000312.4 (MANE Select); coding-DNA position 472, C replaced by T.
Protein change: p.Arg158Trp; replaces arginine 158 with tryptophan.
Molecular consequence: missense variant.
Genome position (GRCh38, 1-based): chr2:127,423,345, C>T. VCF-style: chr2-127423345-C-T. GRCh37 (hg19) VCF-style: chr2-128180921-C-T.
Other names: c.655C>T, p.Arg219Trp (NM_001375602.1); c.637C>T, p.Arg213Trp (NM_001375603.1); c.535C>T, p.Arg179Trp (NM_001375604.1); c.574C>T, p.Arg192Trp (NM_001375605.1); c.640C>T, p.Arg214Trp (NM_001375606.1); c.658C>T, p.Arg220Trp (NM_001375607.1); c.415C>T, p.Arg139Trp (NM_001375608.1); c.448C>T, p.Arg150Trp (NM_001375609.1); and 2 more; short protein forms R139W, R150W, R156W, R158W, R179W, R192W, R213W, R214W.
Identifiers: ClinVar variation 1676216 (VCV001676216.1), dbSNP rs2104954798, ClinGen allele CA348399996.

ClinVar aggregate classification (germline): Likely pathogenic (1 of 4 stars; one submission).

Conditions:
Thrombophilia due to protein C deficiency, autosomal dominant. Also called: PROC DEFICIENCY, AUTOSOMAL DOMINANT; PROTEIN C DEFICIENCY, AUTOSOMAL DOMINANT. Identifiers: Orphanet 745, MedGen C2674321, MONDO:0008316, OMIM 176860. Disease mechanism: loss of function.

Allele frequency attached by ClinVar (database versions not stated): gnomAD exomes below 0.00001.
gnomAD v4.1: 1 of 1,550,204 alleles (0.000065%); highest among the groups gnomAD compares: Non-Finnish European, 0.000087%; no homozygotes.

Submission:

ISTH-SSC Genomics in Thrombosis and Hemostasis, KU Leuven, Center for Molecular and Vascular Biology
Classification: Likely pathogenic for Thrombophilia due to protein C deficiency, autosomal dominant. Last evaluated: 2020-01-01. Review status: criteria provided, single submitter. Criteria: ACMG Guidelines, 2015. Collection method: clinical testing. Allele origin: unknown. Affected: yes.
Comment: Submitted to GoldVariant by Kathleen Freson, Center for Molecular and Vascular Biology, Leuven, Belgium

Literature cited by the submitters: PubMed 34355501.